The following is an entry in ClinVar:

NM_004304.5(ALK):c.1880A>G (p.Asn627Ser)

Gene: ALK (ALK receptor tyrosine kinase; minus strand). Cytogenetic location: 2p23.2.
Variant type: single nucleotide variant.
Coding change: c.1880A>G on transcript NM_004304.5 (MANE Select); coding-DNA position 1880, A replaced by G.
Protein change: p.Asn627Ser; replaces asparagine 627 with serine.
Molecular consequence: missense variant.
Genome position (GRCh38, 1-based): chr2:29,275,434, T>C on the plus strand (A>G on the coding strand, the complement: ALK is on the minus strand). VCF-style: chr2-29275434-T-C. GRCh37 (hg19) VCF-style: chr2-29498300-T-C.
Other names: c.1880A>G (NM_004304.4); short protein forms N627S.
Identifiers: ClinVar variation 1408784 (VCV001408784.7), dbSNP rs1025380501, ClinGen allele CA44665680.

ClinVar aggregate classification (germline): Uncertain significance. Review status: criteria provided, multiple submitters, no conflicts (2 of 4 stars). 2 submissions from 2 submitters: Uncertain significance (2). Last evaluated 2025-07-19.

Conditions:
Neuroblastoma, susceptibility to, 3. Also called: ALK-Related Neuroblastic Tumor Susceptibility. Identifiers: Orphanet 635, MedGen C2751681, MONDO:0013083, OMIM 613014.
Hereditary cancer-predisposing syndrome. Also called: Neoplastic Syndromes, Hereditary; Hereditary neoplastic syndrome; Hereditary Cancer Syndrome; Tumor predisposition. Identifiers: Orphanet 140162, MedGen C0027672, MeSH D009386, MONDO:0015356.

Allele frequency attached by ClinVar (database versions not stated): TOPMed below 0.00001.

Submissions (2):

Labcorp Genetics (formerly Invitae), Labcorp
Classification: Uncertain significance for Neuroblastoma, susceptibility to, 3. Last evaluated: 2025-07-19. Review status: criteria provided, single submitter. Criteria: Invitae Variant Classification Sherloc (09022015). Collection method: clinical testing. Allele origin: germline.
Comment: This sequence change replaces asparagine, which is neutral and polar, with serine, which is neutral and polar, at codon 627 of the ALK protein (p.Asn627Ser). This variant is not present in population databases (gnomAD no frequency). This variant has not been reported in the literature in individuals affected with ALK-related conditions. ClinVar contains an entry for this variant (Variation ID: 1408784). An algorithm developed to predict the effect of missense changes on protein structure and function (PolyPhen-2) suggests that this variant is likely to be disruptive. In summary, the available evidence is currently insufficient to determine the role of this variant in disease. Therefore, it has been classified as a Variant of Uncertain Significance.

Ambry Genetics
Classification: Uncertain significance for Hereditary cancer-predisposing syndrome. Last evaluated: 2024-10-28. Review status: criteria provided, single submitter. Criteria: Ambry Variant Classification Scheme 2023. Collection method: clinical testing. Allele origin: germline.
Comment: The p.N627S variant (also known as c.1880A>G), located in coding exon 10 of the ALK gene, results from an A to G substitution at nucleotide position 1880. The asparagine at codon 627 is replaced by serine, an amino acid with highly similar properties. This amino acid position is conserved. In addition, this alteration is predicted to be tolerated by in silico analysis. Based on the available evidence, the clinical significance of this variant remains unclear.